The following is an entry in ClinVar:

ClinVar aggregate classification (germline): Uncertain significance (0 of 4 stars; one submission).

Submission:

Leiden Open Variation Database
Classification: Uncertain significance. Last evaluated: 2018-10-10. Review status: no assertion criteria provided. Collection method: curation. Allele origin: germline. Affected: yes.
Comment: Curators: Marc Tischkowitz, Arleen D. Auerbach. Submitter to LOVD: Yukihide Momozawa.

Literature cited by the submitters: PubMed 30287823.

NM_024675.4(PALB2):c.3064A>T (p.Met1022Leu)

Gene: PALB2 (partner and localizer of BRCA2; minus strand). Cytogenetic location: 16p12.2.
Variant type: single nucleotide variant.
Coding change: c.3064A>T on transcript NM_024675.4 (MANE Select); coding-DNA position 3064, A replaced by T.
Protein change: p.Met1022Leu; replaces methionine 1022 with leucine.
Molecular consequence: missense variant.
Genome position (GRCh38, 1-based): chr16:23,621,411, T>A on the plus strand (A>T on the coding strand, the complement: PALB2 is on the minus strand). VCF-style: chr16-23621411-T-A. GRCh37 (hg19) VCF-style: chr16-23632732-T-A.
Other names: short protein forms M1022L.
Identifiers: ClinVar variation 830189 (VCV000830189.1), dbSNP rs1060502792, ClinGen allele CA395142983.